The following is an entry in ClinVar:

ClinVar aggregate classification (germline): Uncertain significance. Review status: criteria provided, multiple submitters, no conflicts (2 of 4 stars). 2 submissions from 2 submitters: Uncertain significance (2). Last evaluated 2026-07-06.

Conditions:
Hereditary cancer-predisposing syndrome. Also called: Hereditary Cancer Syndrome; Neoplastic Syndromes, Hereditary; Hereditary neoplastic syndrome; Tumor predisposition. Identifiers: Orphanet 140162, MedGen C0027672, MeSH D009386, MONDO:0015356.

gnomAD v4.1: 2 of 1,613,870 alleles (0.00012%); highest among the groups gnomAD compares: South Asian, 0.0022%; no homozygotes.

Submissions (2):

Ambry Genetics
Classification: Uncertain significance for Hereditary cancer-predisposing syndrome. Last evaluated: 2026-07-06. Review status: criteria provided, single submitter. Criteria: Ambry Variant Classification Scheme 2023. Collection method: clinical testing. Allele origin: germline.
Comment: The p.N247K variant (also known as c.741C>G), located in coding exon 5 of the NTHL1 gene, results from a C to G substitution at nucleotide position 741. The asparagine at codon 247 is replaced by lysine, an amino acid with similar properties. This amino acid position is conserved. In addition, the in silico prediction for this alteration is inconclusive. Based on the available evidence, the clinical significance of this variant remains unclear.

Labcorp Genetics (formerly Invitae), Labcorp
Classification: Uncertain significance. Last evaluated: 2025-03-17. Review status: criteria provided, single submitter. Criteria: Invitae Variant Classification Sherloc (09022015). Collection method: clinical testing. Allele origin: germline.
Comment: This sequence change replaces asparagine, which is neutral and polar, with lysine, which is basic and polar, at codon 247 of the NTHL1 protein (p.Asn247Lys). This variant is present in population databases (no rsID available, gnomAD 0.003%). This variant has not been reported in the literature in individuals affected with NTHL1-related conditions. ClinVar contains an entry for this variant (Variation ID: 1419476). An algorithm developed to predict the effect of missense changes on protein structure and function (PolyPhen-2) suggests that this variant is likely to be disruptive. In summary, the available evidence is currently insufficient to determine the role of this variant in disease. Therefore, it has been classified as a Variant of Uncertain Significance.

NM_002528.7(NTHL1):c.717C>G (p.Asn239Lys)

Gene: NTHL1 (nth like DNA glycosylase 1; minus strand). Cytogenetic location: 16p13.3.
Variant type: single nucleotide variant.
Coding change: c.717C>G on transcript NM_002528.7 (MANE Select); coding-DNA position 717, C replaced by G.
Protein change: p.Asn239Lys; replaces asparagine 239 with lysine.
Molecular consequence: missense variant.
Genome position (GRCh38, 1-based): chr16:2,040,207, G>C on the plus strand (C>G on the coding strand, the complement: NTHL1 is on the minus strand). VCF-style: chr16-2040207-G-C. GRCh37 (hg19) VCF-style: chr16-2090208-G-C.
Other names: c.546C>G, p.Asn182Lys (NM_001318193.2); c.387C>G, p.Asn129Lys (NM_001318194.2); c.741C>G (NM_002528.5); short protein forms N129K, N182K, N239K.
Identifiers: ClinVar variation 1419476 (VCV001419476.7), dbSNP rs1475205147, ClinGen allele CA394289200.